The following is an entry in ClinVar:

ClinVar aggregate classification (germline): Pathogenic. Review status: criteria provided, multiple submitters, no conflicts (2 of 4 stars). 16 submissions from 16 submitters: Pathogenic (14). 2 of the submissions do not count toward it. Last evaluated 2026-09-04.

Conditions:
ALPL-related disorder. Also called: ALPL-related condition; ALPL-related disorders.
Inborn genetic diseases. Identifiers: MedGen C0950123, MeSH D030342.
Perinatal lethal hypophosphatasia. Identifiers: Orphanet 247623, MedGen C2673477, MONDO:0016605.
Childhood hypophosphatasia. Identifiers: Orphanet 247667, Orphanet 436, MedGen C0220743, MONDO:1010168, OMIM 241510, MONDO:0009428.
Adult hypophosphatasia. Identifiers: Orphanet 247676, Orphanet 436, MedGen C0268413, MONDO:1010154, OMIM 146300, MONDO:0007798.
Infantile hypophosphatasia. Identifiers: Orphanet 247651, Orphanet 436, MedGen C0268412, MONDO:1010169, OMIM 241500, MONDO:0009427.
Hypophosphatasia. Also called: Phosphoethanol-aminuria. Identifiers: Orphanet 436, MedGen C0020630, MeSH D007014, MONDO:0018570.

Allele frequency attached by ClinVar (database versions not stated): gnomAD 0.00001; TOPMed 0.00001; gnomAD exomes below 0.00001; ExAC 0.00001.
gnomAD v4.1: 30 of 1,613,416 alleles (0.0019%); highest among the groups gnomAD compares: Admixed American, 0.0033%; no homozygotes.

Submissions 1 to 10 of 16:

PreventionGenetics, part of Exact Sciences
Classification: Pathogenic for ALPL-related condition. Last evaluated: 2026-09-04. Review status: criteria provided, single submitter. Criteria: ACMG Guidelines, 2015. Collection method: clinical testing. Allele origin: germline.
Comment: The ALPL c.648+1G>A variant is predicted to disrupt the GT donor site and interfere with normal splicing. This variant in the compound heterozygous state was previously reported to be pathogenic for autosomal recessive hypophosphatasia (Huggins. 2020. PubMed ID: 33101980; reported as c.658+1A, Mornet et al. 1998. PubMed ID: 9781036; Sergi et al. 2001. PubMed ID: 11745997; Mori et al. 2016. PubMed ID: 28580391). This variant in the heterozygous condition was reported in individuals with adult hypophosphatasia (Taillandier. 2018. PubMed ID: 29236161). This variant is reported in 0.0029% of alleles in individuals of Latino descent in gnomAD. Variants that disrupt the consensus splice donor site in ALPL are expected to be pathogenic. This variant is interpreted as pathogenic.

Labcorp Genetics (formerly Invitae), Labcorp
Classification: Pathogenic. Last evaluated: 2026-01-06. Review status: criteria provided, single submitter. Criteria: Invitae Variant Classification Sherloc (09022015). Collection method: clinical testing. Allele origin: germline.
Comment: This sequence change affects a donor splice site in intron 6 of the ALPL gene. It is expected to disrupt RNA splicing. Variants that disrupt the donor or acceptor splice site typically lead to a loss of protein function (PMID: 16199547), and loss-of-function variants in ALPL are known to be pathogenic (PMID: 3174660, 10679946, 32973344, 33814268). The frequency data for this variant in the population databases is considered unreliable, as metrics indicate poor data quality at this position in the gnomAD database. Disruption of this splice site has been observed in individual(s) with hypophosphatasia (PMID: 9781036, 11745997, 19232125). ClinVar contains an entry for this variant (Variation ID: 13678). Algorithms developed to predict the effect of sequence changes on RNA splicing suggest that this variant may disrupt the consensus splice site. For these reasons, this variant has been classified as Pathogenic.

JKU Lab, Dept of Paediatrics, Johannes Kepler University
Classification: Pathogenic for Hypophosphatasia. Last evaluated: 2025-12-11. Review status: criteria provided, single submitter. Criteria: ACMG Guidelines, 2015. Collection method: curation. Allele origin: germline. Affected: yes.
Comment: This splice site variant is present in GnomAD 4.1 (f = 1.8594e-05). The REVEL-score is not applicable. Splice-prediction algorithms predict a splice donor loss (0.95), splice donor gain (0.15, -48bp). This variant has been reported in the literature in individuals affected with ALPL-related conditions (PMID:39252126;32160374;25731960;30283886;33814268;33601892;30249491;35878747;29236161).

Natera, Inc.
Classification: Pathogenic for Hypophosphatasia. Last evaluated: 2025-09-15. Review status: criteria provided, single submitter. Criteria: Natera Variant Classification Schema (03/2026). Collection method: clinical testing. Allele origin: germline.
Comment: The c.648+1G>A variant in ALPL is a canonical splice donor site variant predicted to affect pre-mRNA splicing, which may result in an abnormal transcript and altered protein product. This variant is expected to result in nonsense mediated decay, truncation, or a dysfunctional protein product. This variant is rare in the general population with a frequency below the threshold expected for the associated phenotype(s). This variant has been observed in one or more individuals affected with the associated recessive disease, as either homozygous or compound heterozygous with a second variant (PMID: 19232125). Given the available evidence, this variant is classified as Pathogenic.

Genomenon, Inc
Classification: Pathogenic for Hypophosphatasia. Last evaluated: 2025-08-29. Review status: criteria provided, single submitter. Criteria: Genomenon Sequence Variant Interpretation Standards. Collection method: curation. Allele origin: germline. Affected: yes.
Comment: ALPL c.648+1G>A is a canonical splice variant located in the donor splice region of intron 6. This variant has been observed in at least one proband affected with hypophosphatasia (PMID:29236161;38884565;33814268;32973344;33601892;35878747;25731960;30249491;32811521;33101980;28580391;19232125). The variant was found to segregate with disease in at least one affected family (PMID:33101980;28580391). It is absent or not present at a significant frequency in gnomAD. In conclusion, we classify ALPL c.648+1G>A as a pathogenic variant.

Clinical Genomics Laboratory, Washington University in St. Louis
Classification: Pathogenic for Adult hypophosphatasia; Childhood hypophosphatasia. Last evaluated: 2025-07-18. Review status: criteria provided, single submitter. Criteria: ACMG Guidelines, 2015. Collection method: clinical testing. Allele origin: germline. Affected: yes.
Comment: The ALPL c.648+1G>A variant has been reported in a compound heterozygous state with pathogenic variants in at least ten individuals with various forms of hypophosphatasia (Araci MB et al., PMID: 33601892; Huggins E et al., PMID: 33101980; Kishnani PS et al., PMID: 33814268; Komaru K et al., PMID: 31400546; Mori M et al., PMID: 28580391; Mornet E et al., PMID: 9781036; Rougier H et al., PMID: 30249491; Sergi C et al., PMID: 11745997). This variant occurs within the canonical splice donor site, which is predicted to cause skipping of the exon, leading to an out of frame transcript. This variant is only observed in 1/250,046 alleles in the general population (gnomAD v2.1.1), indicating it is not a common variant. This variant has been reported in the ClinVar database as a germline pathogenic variant by 12 submitters. Based on available information and the ACMG/AMP guidelines for variant interpretation (Richards S et al., PMID: 25741868), this variant is classified as pathogenic.

Ambry Genetics
Classification: Pathogenic for Inborn genetic diseases. Last evaluated: 2025-01-30. Review status: criteria provided, single submitter. Criteria: Ambry Variant Classification Scheme 2023. Collection method: clinical testing. Allele origin: germline.
Comment: The c.648+1G>A intronic alteration consists of a G to A substitution one nucleotide after coding exon 6 of the ALPL gene. Alterations that disrupt the canonical splice site are expected to cause aberrant splicing, resulting in an abnormal protein or a transcript that is subject to nonsense-mediated mRNA decay. for autosomal dominant/ autosomal recessive ALPL-related hypophosphatasia (loss of function mechanism of disease); however, its clinical significance for autosomal dominant ALPL-related hypophosphatasia (dominant negative mechanism of disease) is uncertain. Based on data from gnomAD, the A allele has an overall frequency of <0.001% (1/250046) total alleles studied. The highest observed frequency was 0.003% (1/34532) of Latino alleles. This variant has been identified in the heterozygous state or in conjunction with other ALPL variant(s) in individual(s) with features consistent with autosomal dominant/ autosomal recessive ALPL-related hypophosphatasia; in at least one instance of co-occurrence, the variants were identified in trans (Taillander, 2018; Huggins, 2020; Araci, 2021; Sergi, 2001; Reibel, 2009; Kishnani, 2021). This nucleotide position is highly conserved in available vertebrate species. In silico splice site analysis predicts that this alteration will weaken the native splice donor site. Based on the available evidence, this alteration is classified as pathogenic.

Fulgent Genetics
Classification: Pathogenic for Adult hypophosphatasia; Infantile hypophosphatasia; Childhood hypophosphatasia. Last evaluated: 2023-12-23. Review status: criteria provided, single submitter. Criteria: ACMG Guidelines, 2015. Collection method: clinical testing. Allele origin: germline.

Baylor Genetics
Classification: Pathogenic for Adult hypophosphatasia. Last evaluated: 2023-10-22. Review status: criteria provided, single submitter. Criteria: ACMG Guidelines, 2015. Collection method: clinical testing. Allele origin: unknown.

GeneDx
Classification: Pathogenic. Last evaluated: 2022-03-29. Review status: criteria provided, single submitter. Criteria: GeneDx Variant Classification Process June 2021. Collection method: clinical testing. Allele origin: germline. Affected: yes.
Comment: Canonical splice site variant predicted to result in a null allele in a gene for which loss of function is a known mechanism of disease; Not observed at a significant frequency in large population cohorts (gnomAD); This variant is associated with the following publications: (PMID: 11745997, 29236161, 30249491, 31400546, 34662886, 30942483, 33601892, 33814268, 33101980, 9781036)

NM_000478.6(ALPL):c.648+1G>A

Gene: ALPL (alkaline phosphatase, biomineralization associated; plus strand). Cytogenetic location: 1p36.12.
Variant type: single nucleotide variant.
Coding change: c.648+1G>A on transcript NM_000478.6 (MANE Select); the canonical splice donor site of the intron after coding-DNA position 648, G replaced by A.
Molecular consequence: splice donor variant.
Genome position (GRCh38, 1-based): chr1:21,564,217, G>A. VCF-style: chr1-21564217-G-A. GRCh37 (hg19) VCF-style: chr1-21890710-G-A.
Other names: IVS6DS, G-A, +1; c.648+1G>A (NM_001369805.2, NM_001369804.2, NM_001369803.2); c.483+1G>A (NM_001127501.4); c.417+1G>A (NM_001177520.3).
Identifiers: ClinVar variation 13678 (VCV000013678.32), dbSNP rs749544042, ClinGen allele CA212949.